The following is an entry in ClinVar:

ClinVar aggregate classification (germline): Uncertain significance (1 of 4 stars; one submission).

Conditions:
Hereditary spastic paraplegia 11. Also called: SPASTIC PARAPLEGIA, AUTOSOMAL RECESSIVE, COMPLICATED, WITH THIN CORPUS CALLOSUM; SPASTIC PARAPLEGIA, AUTOSOMAL RECESSIVE, WITH MENTAL IMPAIRMENT AND THIN CORPUS CALLOSUM; Spastic paraplegia, mental retardation and thin corpus callosum; Nakamura Osame syndrome; Autosomal recessive hereditary spastic paraplegia, mental impairment, and thin corpus callosum; Spastic Paraplegia 11. Identifiers: Orphanet 2822, MedGen C1858479, MONDO:0011445, OMIM 604360.

Allele frequency attached by ClinVar (database versions not stated): gnomAD exomes below 0.00001.
gnomAD v4.1: 2 of 1,614,106 alleles (0.00012%); highest among the groups gnomAD compares: African/African-American, 0.0013%; no homozygotes.

Submission:

Labcorp Genetics (formerly Invitae), Labcorp
Classification: Uncertain significance for Hereditary spastic paraplegia 11. Last evaluated: 2022-02-09. Review status: criteria provided, single submitter. Criteria: Invitae Variant Classification Sherloc (09022015). Collection method: clinical testing. Allele origin: germline.
Comment: This sequence change replaces glutamic acid, which is acidic and polar, with aspartic acid, which is acidic and polar, at codon 624 of the SPG11 protein (p.Glu624Asp). This variant is not present in population databases (gnomAD no frequency). This variant has not been reported in the literature in individuals affected with SPG11-related conditions. Algorithms developed to predict the effect of missense changes on protein structure and function output the following: SIFT: "Tolerated"; PolyPhen-2: "Probably Damaging"; Align-GVGD: "Class C0". The aspartic acid amino acid residue is found in multiple mammalian species, which suggests that this missense change does not adversely affect protein function. In summary, the available evidence is currently insufficient to determine the role of this variant in disease. Therefore, it has been classified as a Variant of Uncertain Significance.

NM_025137.4(SPG11):c.1872G>C (p.Glu624Asp)

Gene: SPG11 (SPG11 vesicle trafficking associated, spatacsin; minus strand). Cytogenetic location: 15q21.1.
Variant type: single nucleotide variant.
Coding change: c.1872G>C on transcript NM_025137.4 (MANE Select); coding-DNA position 1872, G replaced by C.
Protein change: p.Glu624Asp; replaces glutamic acid 624 with aspartic acid.
Molecular consequence: missense variant.
Genome position (GRCh38, 1-based): chr15:44,629,252, C>G on the plus strand (G>C on the coding strand, the complement: SPG11 is on the minus strand). VCF-style: chr15-44629252-C-G. GRCh37 (hg19) VCF-style: chr15-44921450-C-G.
Other names: c.1872G>C, p.Glu624Asp (NM_001160227.2); short protein forms E624D.
Identifiers: ClinVar variation 1501049 (VCV001501049.5), dbSNP rs2141044804, ClinGen allele CA392234498.